The following is an entry in ClinVar:

NM_016008.4(DYNC2LI1):c.659C>T (p.Thr220Ile)

Gene: DYNC2LI1 (dynein cytoplasmic 2 light intermediate chain 1; plus strand). Cytogenetic location: 2p21.
Variant type: single nucleotide variant.
Coding change: c.659C>T on transcript NM_016008.4 (MANE Select); coding-DNA position 659, C replaced by T.
Protein change: p.Thr220Ile; replaces threonine 220 with isoleucine.
Molecular consequence: missense variant.
Genome position (GRCh38, 1-based): chr2:43,800,845, C>T. VCF-style: chr2-43800845-C-T. GRCh37 (hg19) VCF-style: chr2-44027984-C-T.
Other names: c.662C>T, p.Thr221Ile (NM_001193464.2, NM_001348913.2); c.659C>T, p.Thr220Ile (NM_001348912.2); short protein forms T221I, T220I.
Identifiers: ClinVar variation 253219 (VCV000253219.6), dbSNP rs886037860, ClinGen allele CA10586241.
Genomic context (GRCh38, chr2:43,800,845, plus strand): 5'-CTGTTTCTGTGATTGGAAAATAGAGCATGTAATTTGTTCTCCTGATTTGTTTAAAGTTTA[C>T]CAGTAAATCAGAAGCTCTATTACTAAAAATACGTGGAGTTATCAACCAGTTGGCATTTGG-3'
Protein context (NP_057092.2, residues 210-230): AHYYGASLMF[Thr220Ile]SKSEALLLKI

ClinVar aggregate classification (germline): Pathogenic. Review status: criteria provided, single submitter (1 of 4 stars). 2 submissions from 2 submitters: Pathogenic (1). 1 of the submissions does not count toward it. Last evaluated 2024-10-25.

Conditions:
Short-rib thoracic dysplasia 15 with polydactyly (SRTD15). Identifiers: MedGen C4310724, MONDO:0014907, OMIM 617088.

Allele frequency attached by ClinVar (database versions not stated): gnomAD 0.00003 and 0.00004; TOPMed 0.00003; gnomAD exomes 0.00001 and 0.00002.
gnomAD v4.1: 17 of 1,577,138 alleles (0.0011%); highest among the groups gnomAD compares: East Asian, 0.0023%; no homozygotes.

Submissions (2):

Labcorp Genetics (formerly Invitae), Labcorp
Classification: Pathogenic. Last evaluated: 2024-10-25. Review status: criteria provided, single submitter. Criteria: Invitae Variant Classification Sherloc (09022015). Collection method: clinical testing. Allele origin: germline.
Comment: This sequence change replaces threonine, which is neutral and polar, with isoleucine, which is neutral and non-polar, at codon 220 of the DYNC2LI1 protein (p.Thr220Ile). This variant is present in population databases (no rsID available, gnomAD 0.006%). This missense change has been observed in individual(s) with DYNC2LI1-related conditions (PMID: 26130459, 28857138). In at least one individual the data is consistent with being in trans (on the opposite chromosome) from a pathogenic variant. It has also been observed to segregate with disease in related individuals. This variant is also known as c.662C>T (p.Thr221Ile). ClinVar contains an entry for this variant (Variation ID: 253219). An algorithm developed to predict the effect of missense changes on protein structure and function (PolyPhen-2) suggests that this variant is likely to be tolerated. Algorithms developed to predict the effect of sequence changes on RNA splicing suggest that this variant may disrupt the consensus splice site. For these reasons, this variant has been classified as Pathogenic.

OMIM
Classification: Pathogenic for SHORT-RIB THORACIC DYSPLASIA 15 WITH POLYDACTYLY. Last evaluated: 2018-04-07. Review status: no assertion criteria provided. Collection method: literature only. Allele origin: germline. Not counted in ClinVar's aggregate classification.

Literature cited by the submitters: PubMed 26130459 (cited by Labcorp Genetics (formerly Invitae), Labcorp and OMIM); PubMed 28857138 (cited by Labcorp Genetics (formerly Invitae), Labcorp and OMIM); PubMed 8960501 (cited by OMIM).